The following is an entry in ClinVar:

NM_003742.4(ABCB11):c.1638+80C>T

Gene: ABCB11 (ATP binding cassette subfamily B member 11; minus strand). Cytogenetic location: 2q31.1.
Variant type: single nucleotide variant.
Coding change: c.1638+80C>T on transcript NM_003742.4 (MANE Select); 80 bases into the intron after coding-DNA position 1638, C replaced by T.
Molecular consequence: intron variant.
Genome position (GRCh38, 1-based): chr2:168,971,767, G>A on the plus strand (C>T on the coding strand, the complement: ABCB11 is on the minus strand). VCF-style: chr2-168971767-G-A. GRCh37 (hg19) VCF-style: chr2-169828277-G-A.
Identifiers: ClinVar variation 1182069 (VCV001182069.7), dbSNP rs2241341, ClinGen allele CA11131597.
Genomic context (GRCh38, chr2:168,971,767, plus strand): 5'-CTTTTTCAGGCATGAAACTAAAACATGGCTTAAGAATTTAATGACTTGGGAATCATACGA[G>A]AAGAAATGTGTATAATTGTGCAACTTTTTTTCCTTCTATGACCTCTTAGTTTCTCCCAGG-3'

ClinVar aggregate classification (germline): Benign. Review status: criteria provided, multiple submitters, no conflicts (2 of 4 stars). 5 submissions from 4 submitters: Benign (5). Last evaluated 2026-04-14.

Conditions:
Benign recurrent intrahepatic cholestasis type 2 (BRIC2). Also called: Recurrent familial intrahepatic cholestasis 2. Identifiers: Orphanet 65682, Orphanet 99961, MedGen C2608083, MONDO:0011559, OMIM 605479.
Familial intrahepatic cholestasis. Identifiers: Orphanet 284385, MedGen CN296401, MONDO:0017290.
Progressive familial intrahepatic cholestasis type 2. Identifiers: Orphanet 79304, MedGen C3489789, MONDO:0011156, OMIM 601847.

Allele frequency attached by ClinVar (database versions not stated): gnomAD 0.56946 and 0.57135; TOPMed 0.57077; 1000 Genomes Project 30x 0.59041; 1000 Genomes Project 0.59605.
gnomAD v4.1: 778,987 of 1,317,982 alleles (59%); highest among the groups gnomAD compares: East Asian, 75%; 232,148 homozygotes.

Submissions (5):

Genomenon, Inc
Classification: Benign for Familial intrahepatic cholestasis. Last evaluated: 2026-04-14. Review status: criteria provided, single submitter. Criteria: Genomenon Sequence Variant Interpretation Standards - Updated. Collection method: curation. Allele origin: germline. Affected: no.
Comment: ABCB11 c.1638+80C>T is an intronic variant located in intron 14. This variant is present at high allele frequency in population databases. In conclusion, we classify ABCB11 c.1638+80C>T as a benign variant.

Genome-Nilou Lab
Classification: Benign for Benign recurrent intrahepatic cholestasis type 2. Last evaluated: 2021-07-10. Review status: criteria provided, single submitter. Criteria: ACMG Guidelines, 2015. Collection method: clinical testing. Allele origin: germline. Affected: no.

Genome-Nilou Lab
Classification: Benign for Progressive familial intrahepatic cholestasis type 2. Last evaluated: 2021-07-10. Review status: criteria provided, single submitter. Criteria: ACMG Guidelines, 2015. Collection method: clinical testing. Allele origin: germline. Affected: no.

GeneDx
Classification: Benign. Last evaluated: 2018-06-29. Review status: criteria provided, single submitter. Criteria: GeneDx Variant Classification Process June 2021. Collection method: clinical testing. Allele origin: germline. Affected: yes.

Breakthrough Genomics
Classification: Benign. Review status: criteria provided, single submitter. Criteria: ACMG Guidelines, 2015. Collection method: not provided. Allele origin: germline. Inheritance: Autosomal recessive inheritance. Affected: yes.